The following is an entry in ClinVar:

ClinVar aggregate classification (germline): Uncertain significance (1 of 4 stars; one submission).

gnomAD v4.1: 29 of 1,612,842 alleles (0.0018%); highest among the groups gnomAD compares: Non-Finnish European, 0.0024%; no homozygotes.

Submission:

Women's Health and Genetics/Laboratory Corporation of America, LabCorp
Classification: Uncertain significance. Last evaluated: 2025-06-05. Review status: criteria provided, single submitter. Criteria: LabCorp Variant Classification Summary - May 2015. Collection method: clinical testing. Allele origin: germline.
Comment: Variant summary: F7 c.1072A>T (p.Met358Leu) results in a conservative amino acid change in the encoded protein sequence. Algorithms developed to predict the effect of missense changes on protein structure and function are either unavailable or do not agree on the potential impact of this missense change. The variant was absent in 248790 control chromosomes. The available data on variant occurrences in the general population are insufficient to allow any conclusion about variant significance. To our knowledge, no occurrence of c.1072A>T in individuals affected with Congenital factor VII deficiency and no experimental evidence demonstrating its impact on protein function have been reported. No submitters have cited clinical-significance assessments for this variant to ClinVar. Based on the evidence outlined above, the variant was classified as uncertain significance.

NM_019616.4(F7):c.1006A>T (p.Met336Leu)

Gene: F7 (coagulation factor VII; plus strand). Cytogenetic location: 13q34.
Variant type: single nucleotide variant.
Coding change: c.1006A>T on transcript NM_019616.4 (MANE Select); coding-DNA position 1006, A replaced by T.
Protein change: p.Met336Leu; replaces methionine 336 with leucine.
Molecular consequence: missense variant. On other transcripts: non-coding transcript variant (1).
Genome position (GRCh38, 1-based): chr13:113,118,679, A>T. VCF-style: chr13-113118679-A-T. GRCh37 (hg19) VCF-style: chr13-113772993-A-T.
Other names: c.1072A>T, p.Met358Leu (NM_000131.5); c.820A>T, p.Met274Leu (NM_001267554.2); short protein forms M274L, M336L, M358L.
Identifiers: ClinVar variation 3907343 (VCV003907343.1).
Genomic context (GRCh38, chr13:113,118,679, plus strand): 5'-TTCTCATTGGTCAGCGGCTGGGGCCAGCTGCTGGACCGTGGCGCCACGGCCCTGGAGCTC[A>T]TGGTCCTCAACGTGCCCCGGCTGATGACCCAGGACTGCCTGCAGCAGTCACGGAAGGTGG-3'
Protein context (NP_062562.1, residues 326-346): LDRGATALEL[Met336Leu]VLNVPRLMTQ